The following is an entry in ClinVar:

ClinVar aggregate classification (germline): Uncertain significance. Review status: criteria provided, multiple submitters, no conflicts (2 of 4 stars). 2 submissions from 2 submitters: Uncertain significance (2). Last evaluated 2024-02-05.

Conditions:
Inborn genetic diseases. Identifiers: MedGen C0950123, MeSH D030342.

Allele frequency attached by ClinVar (database versions not stated): gnomAD exomes 0.00001.
gnomAD v4.1: 5 of 1,549,286 alleles (0.00032%); highest among the groups gnomAD compares: Non-Finnish European, 0.00044%; no homozygotes.

Submissions (2):

Labcorp Genetics (formerly Invitae), Labcorp
Classification: Uncertain significance. Last evaluated: 2024-02-05. Review status: criteria provided, single submitter. Criteria: Invitae Variant Classification Sherloc (09022015). Collection method: clinical testing. Allele origin: germline.
Comment: This sequence change replaces leucine, which is neutral and non-polar, with methionine, which is neutral and non-polar, at codon 24 of the CCBE1 protein (p.Leu24Met). This variant is not present in population databases (gnomAD no frequency). This variant has not been reported in the literature in individuals affected with CCBE1-related conditions. ClinVar contains an entry for this variant (Variation ID: 1938783). An algorithm developed to predict the effect of missense changes on protein structure and function (PolyPhen-2) suggests that this variant is likely to be disruptive. In summary, the available evidence is currently insufficient to determine the role of this variant in disease. Therefore, it has been classified as a Variant of Uncertain Significance.

Ambry Genetics
Classification: Uncertain significance for Inborn genetic diseases. Last evaluated: 2023-09-13. Review status: criteria provided, single submitter. Criteria: Ambry Variant Classification Scheme 2023. Collection method: clinical testing. Allele origin: germline.

NM_133459.4(CCBE1):c.70C>A (p.Leu24Met)

Gene: CCBE1 (collagen and calcium binding EGF domains 1; minus strand). Cytogenetic location: 18q21.32.
Variant type: single nucleotide variant.
Coding change: c.70C>A on transcript NM_133459.4 (MANE Select); coding-DNA position 70, C replaced by A.
Protein change: p.Leu24Met; replaces leucine 24 with methionine.
Molecular consequence: missense variant.
Genome position (GRCh38, 1-based): chr18:59,697,273, G>T on the plus strand (C>A on the coding strand, the complement: CCBE1 is on the minus strand). VCF-style: chr18-59697273-G-T. GRCh37 (hg19) VCF-style: chr18-57364505-G-T.
Other names: c.70C>A (NM_133459.3); short protein forms L24M.
Identifiers: ClinVar variation 1938783 (VCV001938783.7), dbSNP rs2511612901, ClinGen allele CA402717501.